The following is an entry in ClinVar:

NM_007118.4(TRIO):c.7299dup (p.Ala2434fs)

Gene: TRIO (trio Rho guanine nucleotide exchange factor; plus strand). Cytogenetic location: 5p15.2.
Variant type: Duplication.
Coding change: c.7299dup on transcript NM_007118.4 (MANE Select); coding-DNA position 7299, one base duplicated (C; older notation c.7299dupC).
Protein change: p.Ala2434fs; shifts the reading frame from alanine 2434.
Molecular consequence: frameshift variant.
Genome position (GRCh38, 1-based): chr5:14,487,927, C duplicated; the last of 5 consecutive C bases (chr5:14,487,923-14,487,927); duplicating any one gives the same sequence. VCF-style (leftmost placement, unchanged base first): chr5-14487922-G-GC. GRCh37 (hg19) VCF-style: chr5-14488031-G-GC.
Other names: c.7299dupC (NM_007118.2); short protein forms A2434fs.
Identifiers: ClinVar variation 1194183 (VCV001194183.6), dbSNP rs966036357, ClinGen allele CA114003850.
Genomic context (GRCh38, chr5:14,487,922, plus strand): 5'-ATGAAGGTGCTGGAGAGCCCCAGGAAAGGCGCCGCGAACGCCTCGGGGTCGAGCCCAGAC[G>GC]CCCCCGCCAAGGACGCGCGCGCTAGCCTGGGCACCCTGCCGCTTGGGAAGCCCCGGGCCG-3'

ClinVar aggregate classification (germline): Uncertain significance (1 of 4 stars; one submission).

Submission:

GeneDx
Classification: Uncertain significance. Last evaluated: 2024-02-06. Review status: criteria provided, single submitter. Criteria: GeneDx Variant Classification Process June 2021. Collection method: clinical testing. Allele origin: germline. Affected: yes.
Comment: Frameshift variant predicted to result in protein truncation or nonsense mediated decay in a gene for which loss-of-function is a known mechanism of disease; Not observed in large population cohorts (gnomAD), however, this variant has been observed in at least one heterozygous clinically unaffected adult relative of an individual referred for genetic testing at GeneDx; Has not been previously published as pathogenic or benign to our knowledge